The following is an entry in ClinVar:

NM_177924.5(ASAH1):c.793G>A (p.Glu265Lys)

Gene: ASAH1 (N-acylsphingosine amidohydrolase 1; minus strand). Cytogenetic location: 8p22.
Variant type: single nucleotide variant.
Coding change: c.793G>A on transcript NM_177924.5 (MANE Select); coding-DNA position 793, G replaced by A.
Protein change: p.Glu265Lys; replaces glutamic acid 265 with lysine.
Molecular consequence: missense variant.
Genome position (GRCh38, 1-based): chr8:18,059,696, C>T on the plus strand (G>A on the coding strand, the complement: ASAH1 is on the minus strand). VCF-style: chr8-18059696-C-T. GRCh37 (hg19) VCF-style: chr8-17917205-C-T.
Other names: c.775G>A, p.Glu259Lys (NM_001127505.3); c.598G>A, p.Glu200Lys (NM_001363743.2); c.841G>A, p.Glu281Lys (NM_004315.6); short protein forms E259K, E265K, E281K, E200K.
Identifiers: ClinVar variation 1504466 (VCV001504466.8), dbSNP rs2117019048, ClinGen allele CA370428428.

ClinVar aggregate classification (germline): Uncertain significance (1 of 4 stars; one submission).

Submission:

Labcorp Genetics (formerly Invitae), Labcorp
Classification: Uncertain significance. Last evaluated: 2021-07-18. Review status: criteria provided, single submitter. Criteria: Invitae Variant Classification Sherloc (09022015). Collection method: clinical testing. Allele origin: germline.
Comment: Algorithms developed to predict the effect of missense changes on protein structure and function (SIFT, PolyPhen-2, Align-GVGD) all suggest that this variant is likely to be tolerated. In summary, the available evidence is currently insufficient to determine the role of this variant in disease. Therefore, it has been classified as a Variant of Uncertain Significance. This variant has not been reported in the literature in individuals affected with ASAH1-related conditions. This variant is not present in population databases (ExAC no frequency). This sequence change replaces glutamic acid with lysine at codon 265 of the ASAH1 protein (p.Glu265Lys). The glutamic acid residue is highly conserved and there is a small physicochemical difference between glutamic acid and lysine.